The following is an entry in ClinVar:

NM_000540.3(RYR1):c.7864C>G (p.Leu2622Val)

Gene: RYR1 (ryanodine receptor 1; plus strand). Cytogenetic location: 19q13.2.
Variant type: single nucleotide variant.
Coding change: c.7864C>G on transcript NM_000540.3 (MANE Select); coding-DNA position 7864, C replaced by G.
Protein change: p.Leu2622Val; replaces leucine 2622 with valine.
Molecular consequence: missense variant.
Genome position (GRCh38, 1-based): chr19:38,502,908, C>G. VCF-style: chr19-38502908-C-G. GRCh37 (hg19) VCF-style: chr19-38993548-C-G.
Other names: c.7864C>G, p.Leu2622Val (NM_001042723.2); short protein forms L2622V.
Identifiers: ClinVar variation 3069730 (VCV003069730.2), dbSNP rs370820784, ClinGen allele CA405673733.

ClinVar aggregate classification (germline): Uncertain significance. Review status: criteria provided, multiple submitters, no conflicts (2 of 4 stars). 2 submissions from 2 submitters: Uncertain significance (2). Last evaluated 2025-08-25.

Conditions:
Malignant hyperthermia, susceptibility to, 1 (MHS1). Also called: RYR1-Related Malignant Hyperthermia Susceptibility; Anesthesia related hyperthermia; Malignant hyperpyrexia; Fulminating hyperpyrexia; Pharmacogenic myopathy; Malignant hyperthermia suceptibility 1. Identifiers: Orphanet 423, MedGen C2930980, MONDO:0007783, OMIM 145600.

gnomAD v4.1: 13 of 1,611,900 alleles (0.00081%); highest among the groups gnomAD compares: South Asian, 0.0011%; no homozygotes.

Submissions (2):

Color Diagnostics, LLC DBA Color Health
Classification: Uncertain significance for Malignant hyperthermia, susceptibility to, 1. Last evaluated: 2025-08-25. Review status: criteria provided, single submitter. Criteria: ACMG Guidelines, 2015. Collection method: clinical testing. Allele origin: germline.
Comment: This missense variant replaces leucine with valine at codon 2622 of the RYR1 protein. Computational prediction suggests that this variant may not impact protein structure and function. To our knowledge, functional studies have not been reported for this variant. This variant has not been reported in individuals affected with RYR1-related disorders in the literature. This variant has not been identified in the general population by the Genome Aggregation Database (gnomAD). The available evidence is insufficient to determine the role of this variant in disease conclusively. Therefore, this variant is classified as a Variant of Uncertain Significance.

All of Us Research Program, National Institutes of Health
Classification: Uncertain significance for Malignant hyperthermia, susceptibility to, 1. Last evaluated: 2023-03-04. Review status: criteria provided, single submitter. Criteria: ACMG Guidelines, 2015. Collection method: clinical testing. Allele origin: germline. Inheritance: Autosomal dominant inheritance. Observed: 1 variant allele, 1 heterozygote.
Comment: This study involves interpretation of variants in research participants for the purpose of population health screening. Participant phenotype was not available at the time of variant classification. Additional details can be found in publication PMID: 35346344, PMCID: PMC8962531